The following is an entry in ClinVar:

NM_006270.5(RRAS):c.572G>A (p.Arg191Gln)

Gene: RRAS (RAS related; minus strand). Cytogenetic location: 19q13.33.
Variant type: single nucleotide variant.
Coding change: c.572G>A on transcript NM_006270.5 (MANE Select); coding-DNA position 572, G replaced by A.
Protein change: p.Arg191Gln; replaces arginine 191 with glutamine.
Molecular consequence: missense variant.
Genome position (GRCh38, 1-based): chr19:49,635,734, C>T on the plus strand (G>A on the coding strand, the complement: RRAS is on the minus strand). VCF-style: chr19-49635734-C-T. GRCh37 (hg19) VCF-style: chr19-50138991-C-T.
Other names: short protein forms R191Q.
Identifiers: ClinVar variation 641321 (VCV000641321.11), dbSNP rs759803129, ClinGen allele CA9578955.

ClinVar aggregate classification (germline): Uncertain significance. Review status: criteria provided, multiple submitters, no conflicts (2 of 4 stars). 3 submissions from 3 submitters: Uncertain significance (3). Last evaluated 2025-06-17.

Conditions:
Noonan syndrome (NS). Also called: Noonan's syndrome. Identifiers: Orphanet 648, MedGen C0028326, MeSH D009634, MONDO:0018997. Disease mechanism: gain of function.

Allele frequency attached by ClinVar (database versions not stated): TOPMed 0.00001.
gnomAD v4.1: 8 of 1,563,786 alleles (0.00051%); highest among the groups gnomAD compares: Non-Finnish European, 0.00061%; no homozygotes.

Submissions (3):

St. Jude Molecular Pathology, St. Jude Children's Research Hospital
Classification: Uncertain significance for Noonan syndrome. Last evaluated: 2025-06-17. Review status: criteria provided, single submitter. Criteria: St. Jude Assertion Criteria 2020. Collection method: clinical testing. Allele origin: germline.
Comment: The RRAS c.572G>A p.(Arg191Gln) missense change has a maximum subpopulation frequency of 0.0009% in gnomAD v2.1.1. The in silico tool REVEL predicts a deleterious effect on protein function, but to our knowledge this prediction has not been confirmed by functional studies. To our knowledge, this variant has not been reported in individuals with Noonan syndrome. In summary, the evidence currently available is insufficient to determine the clinical significance of this variant. It has therefore been classified as of uncertain significance.

Labcorp Genetics (formerly Invitae), Labcorp
Classification: Uncertain significance for Noonan syndrome. Last evaluated: 2023-08-01. Review status: criteria provided, single submitter. Criteria: Invitae Variant Classification Sherloc (09022015). Collection method: clinical testing. Allele origin: germline.
Comment: Variants that disrupt the consensus splice site are a relatively common cause of aberrant splicing (PMID: 17576681, 9536098). Algorithms developed to predict the effect of sequence changes on RNA splicing suggest that this variant may disrupt the consensus splice site. In summary, the available evidence is currently insufficient to determine the role of this variant in disease. Therefore, it has been classified as a Variant of Uncertain Significance. An algorithm developed to predict the effect of missense changes on protein structure and function (PolyPhen-2) suggests that this variant is likely to be disruptive. ClinVar contains an entry for this variant (Variation ID: 641321). This variant has not been reported in the literature in individuals affected with RRAS-related conditions. The frequency data for this variant in the population databases is considered unreliable, as metrics indicate poor data quality at this position in the gnomAD database. This sequence change replaces arginine, which is basic and polar, with glutamine, which is neutral and polar, at codon 191 of the RRAS protein (p.Arg191Gln). This variant also falls at the last nucleotide of exon 5, which is part of the consensus splice site for this exon.

Women's Health and Genetics/Laboratory Corporation of America, LabCorp
Classification: Uncertain significance. Last evaluated: 2021-05-02. Review status: criteria provided, single submitter. Criteria: LabCorp Variant Classification Summary - May 2015. Collection method: clinical testing. Allele origin: germline.
Comment: Variant summary: RRAS c.572G>A (p.Arg191Gln) results in a conservative amino acid change in the encoded protein sequence. Four of five in-silico tools predict a damaging effect of the variant on protein function. This variant located in the exonic splice region, alters the last nucleotide of exon 5 adjacent to the canonical intron 5 splice donor site. Several computational tools predict a significant impact on normal splicing: Three predict the variant abolishes the canonical 5' splicing donor site. One predict the variant weakens the canonical 5' donor site. However, these predictions have yet to be confirmed by functional studies. The variant allele was found at a frequency of 4.1e-06 in 241484 control chromosomes. The available data on variant occurrences in the general population are insufficient to allow any conclusion about variant significance. To our knowledge, no occurrence of c.572G>A in individuals affected with Noonan Syndrome And Related Conditions and no experimental evidence demonstrating its impact on protein function have been reported. One clinical diagnostic laboratory has submitted clinical-significance assessments for this variant to ClinVar after 2014 and classified the variant as uncertain significance. Based on the evidence outlined above, the variant was classified as uncertain significance.

Literature cited by the submitters: PubMed 17576681 (cited by Labcorp Genetics (formerly Invitae), Labcorp); PubMed 9536098 (cited by Labcorp Genetics (formerly Invitae), Labcorp).